The following is an entry in ClinVar:

NM_001256545.2(MEGF10):c.3026-272A>G

Gene: MEGF10 (multiple EGF like domains 10; plus strand). Cytogenetic location: 5q23.2.
Variant type: single nucleotide variant.
Coding change: c.3026-272A>G on transcript NM_001256545.2 (MANE Select); 272 bases into the intron before coding-DNA position 3026, A replaced by G.
Molecular consequence: intron variant.
Genome position (GRCh38, 1-based): chr5:127,455,129, A>G. VCF-style: chr5-127455129-A-G. GRCh37 (hg19) VCF-style: chr5-126790821-A-G.
Other names: c.3026-272A>G (NM_032446.3).
Identifiers: ClinVar variation 673639 (VCV000673639.1), dbSNP rs115469299, ClinGen allele CA126952000.
Genomic context (GRCh38, chr5:127,455,129, plus strand): 5'-TGGGGCCATCAACAGCTGGTTTCTTGATTGAACTTCTGTAAATTTTCTATTAATAAAACA[A>G]AACGTAATTGATTATATTCTAATGTGATCATAAAAATGAAATCAGTTAATGATATTGATG-3'

ClinVar aggregate classification (germline): Likely benign (1 of 4 stars; one submission).

Allele frequency attached by ClinVar (database versions not stated): gnomAD 0.03267 and 0.03322; 1000 Genomes Project 30x 0.03357; TOPMed 0.03428; 1000 Genomes Project 0.03494.
gnomAD v4.1: 4,935 of 151,790 alleles (3.3%); highest among the groups gnomAD compares: Middle Eastern, 5.2%; 81 homozygotes.

Submission:

GeneDx
Classification: Likely benign. Last evaluated: 2018-06-16. Review status: criteria provided, single submitter. Criteria: GeneDx Variant Classification (06012015). Collection method: clinical testing. Allele origin: germline. Affected: yes.
Comment: This variant is considered likely benign or benign based on one or more of the following criteria: it is a conservative change, it occurs at a poorly conserved position in the protein, it is predicted to be benign by multiple in silico algorithms, and/or has population frequency not consistent with disease.